The following is an entry in ClinVar:

ClinVar aggregate classification (germline): Likely pathogenic (1 of 4 stars; one submission).

Conditions:
Spermatogenic failure 18. Identifiers: MedGen C4539783, MONDO:0054615, OMIM 617576.

Allele frequency attached by ClinVar (database versions not stated): gnomAD exomes 0.00004; TOPMed 0.00007; ExAC 0.00009; gnomAD 0.00009.
gnomAD v4.1: 75 of 1,614,096 alleles (0.0046%); highest among the groups gnomAD compares: South Asian, 0.041%; 1 homozygote.

Submission:

Institute of Reproductive and Stem Cell Engineering, Central South University
Classification: Likely pathogenic for Spermatogenic failure 18. Last evaluated: 2023-10-26. Review status: criteria provided, single submitter. Criteria: Tu et al. (Clin Genet. 2020). Collection method: research. Allele origin: inherited. Inheritance: Autosomal recessive inheritance. Affected: yes. Observed: 1 compound heterozygote.
Comment: The DNAH3 variant (Arg3480Gln) was shown to be highly conserved across multiple species and recorded as rare and predicted to be deleterious via in silico bioinformatics databases. Three-dimensional modelling of the DNAH3 protein showed that this mutation disrupted hydrogen bonds and altered the distance between atoms of adjacent amino acids, which is likely to disrupt protein stability and function. Western blot have showed that expression of DNAH3 protein was decressed in the spermatozoa from the patient. In addition, the two Dnah3 knockout mice lines generated in our experiments recapitulated asthenoteratozoospermia similar to the patient. In summary, the variant (Arg3480Gln) meets our criteria to be classifiedas likely pathogenic based upon segregation studies, bioinformatics prediction in silico, and functional experiment evidence.

NM_001347886.2(DNAH3):c.10301G>A (p.Arg3434Gln)

Gene: DNAH3 (dynein axonemal heavy chain 3; minus strand). Cytogenetic location: 16p12.3.
Variant type: single nucleotide variant.
Coding change: c.10301G>A on transcript NM_001347886.2 (MANE Select); coding-DNA position 10301, G replaced by A.
Protein change: p.Arg3434Gln; replaces arginine 3434 with glutamine.
Molecular consequence: missense variant.
Genome position (GRCh38, 1-based): chr16:20,963,445, C>T on the plus strand (G>A on the coding strand, the complement: DNAH3 is on the minus strand). VCF-style: chr16-20963445-C-T. GRCh37 (hg19) VCF-style: chr16-20974767-C-T.
Other names: c.10439G>A, p.Arg3480Gln (NM_017539.2); short protein forms R3434Q, R3480Q.
Identifiers: ClinVar variation 2627625 (VCV002627625.2), dbSNP rs776237346, ClinGen allele CA7946062.